The following is an entry in ClinVar:

ClinVar aggregate classification (germline): Uncertain significance. Review status: criteria provided, multiple submitters, no conflicts (2 of 4 stars). 2 submissions from 2 submitters: Uncertain significance (2). Last evaluated 2026-03-02.

Conditions:
Inborn genetic diseases. Identifiers: MedGen C0950123, MeSH D030342.
FANCB-related disorder. Also called: FANCB-related condition.

Allele frequency attached by ClinVar (database versions not stated): TOPMed below 0.00001; gnomAD 0.00001; gnomAD exomes below 0.00001.
gnomAD v4.1: 2 of 1,204,345 alleles (0.00017%); highest among the groups gnomAD compares: Non-Finnish European, 0.00022%; no homozygotes.

Submissions (2):

PreventionGenetics, part of Exact Sciences
Classification: Uncertain significance for FANCB-related condition. Last evaluated: 2026-03-02. Review status: criteria provided, single submitter. Criteria: ACMG Guidelines, 2015. Collection method: clinical testing. Allele origin: germline.
Comment: The FANCB c.1219G>A variant is predicted to result in the amino acid substitution p.Glu407Lys. To our knowledge, this variant has not been reported in the literature or in a large population database (gnomAD), indicating this variant is rare. At this time, the clinical significance of this variant is uncertain due to the absence of conclusive functional and genetic evidence.

Ambry Genetics
Classification: Uncertain significance for Inborn genetic diseases. Last evaluated: 2021-09-15. Review status: criteria provided, single submitter. Criteria: Ambry Variant Classification Scheme 2023. Collection method: clinical testing. Allele origin: germline.

NM_001018113.3(FANCB):c.1219G>A (p.Glu407Lys)

Gene: FANCB (FA complementation group B; minus strand). Cytogenetic location: Xp22.2.
Variant type: single nucleotide variant.
Coding change: c.1219G>A on transcript NM_001018113.3 (MANE Select); coding-DNA position 1219, G replaced by A.
Protein change: p.Glu407Lys; replaces glutamic acid 407 with lysine.
Molecular consequence: missense variant.
Genome position (GRCh38, 1-based): chrX:14,853,146, C>T on the plus strand (G>A on the coding strand, the complement: FANCB is on the minus strand). VCF-style: chrX-14853146-C-T. GRCh37 (hg19) VCF-style: chrX-14871268-C-T.
Other names: c.1219G>A, p.Glu407Lys (NM_001324162.2, NM_001410764.1, NM_152633.4); c.1219G>A (NM_001018113.2); short protein forms E407K.
Identifiers: ClinVar variation 2249613 (VCV002249613.3), dbSNP rs1418831942, ClinGen allele CA412442675.